The following is an entry in ClinVar:

ClinVar aggregate classification (germline): Likely pathogenic (1 of 4 stars; one submission).

Conditions:
DDX41-related disorder. Also called: DDX41-related condition.

Submission:

PreventionGenetics, part of Exact Sciences
Classification: Likely pathogenic for DDX41-related condition. Last evaluated: 2023-04-07. Review status: criteria provided, single submitter. Criteria: ACMG Guidelines, 2015. Collection method: clinical testing. Allele origin: germline.
Comment: The DDX41 c.1542_1543delGA variant is predicted to result in a frameshift and premature protein termination (p.Asn515Leufs*26). To our knowledge, this variant has not been reported in the literature or in a large population database, indicating this variant is rare. Frameshift variants in DDX41 are expected to be pathogenic. This variant is interpreted as likely pathogenic.

NM_016222.4(DDX41):c.1542_1543del (p.Asn515fs)

Gene: DDX41 (DEAD-box helicase 41; minus strand). Cytogenetic location: 5q35.3.
Variant type: Microsatellite.
Coding change: c.1542_1543del on transcript NM_016222.4 (MANE Select); coding-DNA positions 1542 to 1543, 2 bases deleted (GA; older notation c.1542_1543delGA).
Protein change: p.Asn515fs; shifts the reading frame from asparagine 515.
Molecular consequence: frameshift variant.
Genome position (GRCh38, 1-based): chr5:177,512,502-177,512,503, TC deleted on the plus strand (GA on the coding strand, the reverse complement: DDX41 is on the minus strand); deleting any 2 consecutive bases within chr5:177,512,502-177,512,505 gives the same sequence; the c. name uses the placement nearest the transcript's 3' end. VCF-style (leftmost placement, unchanged base first): chr5-177512501-TTC-T. GRCh37 (hg19) VCF-style: chr5-176939502-TTC-T.
Other names: c.1164_1165del, p.Asn389fs (NM_001321732.2, NM_001321830.2); short protein forms N389fs, N515fs.
Identifiers: ClinVar variation 2633579 (VCV002633579.1), dbSNP rs2532075547, ClinGen allele CA2695198795.